The following continues an entry in ClinVar:

NM_138694.4(PKHD1):c.107C>T (p.Thr36Met)

Gene: PKHD1. ClinVar aggregate classification (germline): Pathogenic/Likely pathogenic. Pathogenic (44); Likely pathogenic (3).

Submissions 9 to 30 of 61:

Rare Kidney Stone Consortium and the Mayo Clinic Hyperoxaluria Center, Mayo Clinic
Classification: Pathogenic for Polycystic kidney disease 4. Last evaluated: 2025-10-03. Review status: criteria provided, single submitter. Criteria: ACMG Guidelines, 2015. Collection method: research. Allele origin: germline. Observed: 1 variant allele.
Comment: ACMG:PS3, PM1, PM2, PP3, PP5

Revvity Omics, Revvity
Classification: Pathogenic for Polycystic kidney disease 4. Last evaluated: 2025-03-12. Review status: criteria provided, single submitter. Criteria: ACMG Guidelines, 2015. Collection method: clinical testing. Allele origin: germline.

Variantyx, Inc.
Classification: Pathogenic for Polycystic kidney disease 4. Last evaluated: 2025-03-10. Review status: criteria provided, single submitter. Criteria: Variantyx Assertion Criteria 2022. Collection method: clinical testing. Allele origin: germline. Inheritance: Autosomal recessive inheritance. Affected: yes.
Comment: This is a nonsynonymous variant in the PKHD1 gene (OMIM: 606702). Pathogenic variants in this gene have been associated with autosomal recessive polycystic kidney disease 4, with or without hepatic disease. This variant has been identified in the homozygous or compound heterozygous state in at least 6 individual(s) from the published literature (PMID: 11898128, 16199545, 12506140, 15108281) (PM3_Very_Strong). Multiple computational algorithms predict a deleterious effect for this variant (REVEL score: 0.749) (PP3). This variant has a 0.0692% maximum allele frequency in non-founder control populations (PM2_Supporting). Based on the current evidence, this variant is classified as pathogenic for autosomal recessive polycystic kidney disease 4, with or without hepatic disease.

Laboratory of Genetics, Children's Clinical University Hospital Latvia
Classification: Pathogenic. Last evaluated: 2025-02-16. Review status: criteria provided, single submitter. Criteria: ACMG Guidelines, 2015. Collection method: clinical testing. Allele origin: germline. Affected: yes.

Natera, Inc.
Classification: Pathogenic for Autosomal recessive polycystic kidney disease. Last evaluated: 2025-01-31. Review status: criteria provided, single submitter. Criteria: Natera Variant Classification Schema (03/2026). Collection method: clinical testing. Allele origin: germline.
Comment: The c.107C>T variant in PKHD1 is a missense variant predicted to cause substitution of threonine to methionine at amino acid 36. This variant is rare in the general population with a frequency below the threshold expected for the associated phenotype(s). This variant has been observed in one or more individuals affected with the associated recessive disease, as either homozygous or compound heterozygous with a second variant (PMID: 15108281). Given the available evidence, this variant is classified as Pathogenic.

Blueprint Genetics
Classification: Pathogenic for PKHD1-related disorders. Last evaluated: 2024-11-18. Review status: criteria provided, single submitter. Criteria: ACMG Guidelines, 2015. Collection method: clinical testing. Allele origin: germline. Affected: yes. Observed: 5 variant alleles.

Institute of Immunology and Genetics Kaiserslautern
Classification: Pathogenic for Polycystic kidney disease 4. Last evaluated: 2024-11-15. Review status: criteria provided, single submitter. Criteria: ACMG Guidelines, 2015. Collection method: clinical testing. Allele origin: germline. Affected: yes.
Comment: ACMG Criteria: PS4, PM1, PM2_P, PM3, PM5_P, PP1, PP3, PP5; Variant was found in heterozygous state

Rady Children's Institute for Genomic Medicine, Rady Children's Hospital San Diego
Classification: Pathogenic for POLYCYSTIC KIDNEY DISEASE, AUTOSOMAL RECESSIVE. Last evaluated: 2024-10-07. Review status: criteria provided, single submitter. Criteria: ACMG Guidelines, 2015. Collection method: clinical testing. Allele origin: germline. Affected: yes.
Comment: The c.107C>T (p.Thr36Met) variant affects a moderately conserved amino acid and is predicted by multiple in silico tools to have a deleterious effect on protein function. This is a known Pathogenic variant that has been previously reported as a compound heterozygous and homozygous change in patients with polycystic kidney disease (PMID: 11919560, 15698423, 20413436, 15696446, 31844813, 30650191, 31980526, 33532864, 33437033, 35812281, 36307859). The c.107C>T (p.Thr36Met) variant is located in a mutational hotspot for pathogenic variations associated with polycystic kidney disease (PMID: 16199545). The c.107C>T (p.Thr36Met) variant is present in the latest version of the gnomAD population database at an allele frequency of 0.06% (911/1609822), and is absent in the homozygous state. Based on the available evidence, c.107C>T (p.Thr36Met) is classified as Pathogenic.

Dubai Health Genomic Medicine Center, Dubai Health
Classification: Likely pathogenic for Polycystic kidney disease 4. Last evaluated: 2024-10-04. Review status: criteria provided, single submitter. Criteria: ACMG Guidelines, 2015. Collection method: research. Allele origin: germline. Affected: yes.
Comment: PM3_VeryStrong, PM2,PM5

Clinical Genetics Laboratory, Skane University Hospital Lund
Classification: Pathogenic. Last evaluated: 2023-03-02. Review status: criteria provided, single submitter. Criteria: ACMG Guidelines, 2015. Collection method: clinical testing. Allele origin: germline. Affected: yes.

MGZ Medical Genetics Center
Classification: Pathogenic for Polycystic kidney disease 4. Last evaluated: 2022-09-05. Review status: criteria provided, single submitter. Criteria: ACMG Guidelines, 2015. Collection method: clinical testing. Allele origin: germline. Affected: yes. Observed: 2 variant alleles.
Comment: ACMG criteria applied: PS4, PM1, PP1_MOD, PM2_SUP, PP3

Fulgent Genetics
Classification: Pathogenic for Polycystic kidney disease 4. Last evaluated: 2022-04-27. Review status: criteria provided, single submitter. Criteria: ACMG Guidelines, 2015. Collection method: clinical testing. Allele origin: unknown.

Laboratorio de Genetica e Diagnostico Molecular, Hospital Israelita Albert Einstein
Classification: Pathogenic for Polycystic kidney disease 4. Last evaluated: 2022-04-25. Review status: criteria provided, single submitter. Criteria: ACMG Guidelines, 2015. Collection method: clinical testing. Allele origin: germline. Affected: yes. Observed: 1 variant allele.
Comment: ACMG classification criteria: PS4 strong, PM3 very strong, PP3 supporting

Centre of Medical Genetics, University Hospital Muenster
Classification: Pathogenic. Last evaluated: 2021-12-21. Review status: criteria provided, single submitter. Criteria: ACMG Guidelines, 2015. Collection method: clinical testing. Allele origin: unknown. Affected: yes. Observed: 1 variant allele, 1 heterozygote.
Comment: ACMG categories: PS3,PM2,PM3,PP3,PP5

Laboratory of Medical Genetics, National & Kapodistrian University of Athens
Classification: Pathogenic for Polycystic kidney disease 4. Last evaluated: 2021-10-12. Review status: criteria provided, single submitter. Criteria: ACMG Guidelines, 2015. Collection method: clinical testing. Allele origin: germline. Affected: yes.
Comment: PM1, PM2, PP2, PP3, PP5

HudsonAlpha Institute for Biotechnology
Classification: Pathogenic for Polycystic kidney disease 4. Last evaluated: 2021-07-29. Review status: criteria provided, single submitter. Criteria: ACMG Guidelines, 2015. Collection method: research. Allele origin: paternal. Affected: yes. Observed: 1 variant allele. Study: HudsonAlpha-AGHI-WGS.
Comment: ACMG codes:PS4, PM2, PM3, PP5, PP3

Mayo Clinic Laboratories, Mayo Clinic
Classification: Pathogenic. Last evaluated: 2020-12-31. Review status: criteria provided, single submitter. Criteria: ACMG Guidelines, 2015. Collection method: clinical testing. Allele origin: germline. Observed: 2 variant alleles.
Comment: PS4, PM2, PM3, PP1, PP3

Molecular Genetics, Royal Melbourne Hospital
Classification: Pathogenic for Polycystic kidney disease 4. Last evaluated: 2020-12-17. Review status: criteria provided, single submitter. Criteria: ACMG Guidelines, 2015. Collection method: clinical testing. Allele origin: germline.
Comment: This sequence change is predicted to replace threonine with methionine at codon 36 of the PKHD1 protein (p.(Thr36Met)). The threonine residue is highly conserved (100 vertebrates, UCSC), and is located in the IPT 1 domain. There is a moderate physicochemical difference between threonine and methionine. The variant is present in a large population cohort at a frequency of 0.05% (rs137852944, 144/282,706 alleles, 0 homozygotes in gnomAD v2.1). This is a recurrent mutation that has been identified in the homozygous and compound heterozygous with a second pathogenic allele in multiple individuals with autosomal recessive polycystic kidney disease ranging from severe to moderate phenotypes, and segregates with disease in multiple families (PMID: 11898128, 12506140). Multiple lines of computational evidence predict a deleterious effect for the missense substitution (6/6 algorithms). Based on the classification scheme RMH Modified ACMG Guidelines v1.3.1, this variant is classified as PATHOGENIC. Following criteria are met: PM3_VeryStrong, PP1_Strong, PP3.

Laboratory of Molecular Genetics, Children's Memorial Health Institute
Classification: Pathogenic for Polycystic kidney disease 4. Last evaluated: 2020-09-25. Review status: criteria provided, single submitter. Criteria: ACMG Guidelines, 2015. Collection method: clinical testing. Allele origin: unknown, paternal, biparental. Inheritance: Autosomal recessive inheritance. Affected: yes. Observed: 8 compound heterozygotes, 1 homozygote. Clinical features observed: Polycystic kidney disease (HP:0000113), Hepatic fibrosis (HP:0001395), Portal hypertension (HP:0001409), Hepatic cysts (HP:0001407).

Greenwood Genetic Center Diagnostic Laboratories, Greenwood Genetic Center
Classification: Pathogenic. Last evaluated: 2020-09-23. Review status: criteria provided, single submitter. Criteria: ACMG Guidelines, 2015. Collection method: clinical testing. Allele origin: germline. Affected: yes.

Cavalleri Lab, Royal College of Surgeons in Ireland
Classification: Likely pathogenic for Polycystic kidney disease. Last evaluated: 2020-05-28. Review status: criteria provided, single submitter. Criteria: ACMG Guidelines, 2015. Collection method: research. Allele origin: unknown. Inheritance: Autosomal recessive inheritance. Affected: yes. Observed: 1 variant allele.
Comment: PM3, PP2, PP3, PP4, PP5, BP5

Molecular Biology Laboratory, Fundació Puigvert
Classification: Likely pathogenic for Polycystic kidney disease 4. Last evaluated: 2020-02-01. Review status: criteria provided, single submitter. Criteria: ACMG Guidelines, 2015. Collection method: research. Allele origin: paternal. Affected: yes. Study: KidneyPanel_2020.